The following is an entry in ClinVar:

ClinVar aggregate classification (germline): Uncertain significance (1 of 4 stars; one submission).

Allele frequency attached by ClinVar (database versions not stated): ExAC 0.00001; gnomAD 0.00001; TOPMed 0.00001.
gnomAD v4.1: 16 of 1,613,146 alleles (0.00099%); highest among the groups gnomAD compares: South Asian, 0.0022%; no homozygotes.

Submission:

Labcorp Genetics (formerly Invitae), Labcorp
Classification: Uncertain significance. Last evaluated: 2026-01-24. Review status: criteria provided, single submitter. Criteria: Invitae Variant Classification Sherloc (09022015). Collection method: clinical testing. Allele origin: germline.
Comment: This sequence change replaces histidine, which is basic and polar, with arginine, which is basic and polar, at codon 172 of the NEDD4L protein (p.His172Arg). This variant is present in population databases (rs772551955, gnomAD 0.003%). This variant has not been reported in the literature in individuals affected with NEDD4L-related conditions. ClinVar contains an entry for this variant (Variation ID: 1398483). An algorithm developed to predict the effect of missense changes on protein structure and function (PolyPhen-2) suggests that this variant is likely to be tolerated. In summary, the available evidence is currently insufficient to determine the role of this variant in disease. Therefore, it has been classified as a Variant of Uncertain Significance.

NM_001144967.3(NEDD4L):c.515A>G (p.His172Arg)

Gene: NEDD4L (NEDD4 like E3 ubiquitin protein ligase; plus strand). Cytogenetic location: 18q21.31.
Variant type: single nucleotide variant.
Coding change: c.515A>G on transcript NM_001144967.3 (MANE Select); coding-DNA position 515, A replaced by G.
Protein change: p.His172Arg; replaces histidine 172 with arginine.
Molecular consequence: missense variant.
Genome position (GRCh38, 1-based): chr18:58,324,997, A>G. VCF-style: chr18-58324997-A-G. GRCh37 (hg19) VCF-style: chr18-55992229-A-G.
Other names: c.152A>G, p.His51Arg (NM_001144964.1, NM_001144965.2, NM_001144966.3 and 2 more transcripts); c.491A>G, p.His164Arg (NM_001144968.2, NM_001144969.2); c.515A>G, p.His172Arg (NM_001243960.2, NM_015277.6); short protein forms H172R, H164R, H51R.
Identifiers: ClinVar variation 1398483 (VCV001398483.8), dbSNP rs772551955, ClinGen allele CA8975385.
Genomic context (GRCh38, chr18:58,324,997, plus strand): 5'-CCTCTTACTCACAGCCGAAGAACCAACCTCATAATCGTCCCTTTAACTTTATTCCGCAGC[A>G]TGGATGGGAAGTTGTTGACTCAAATGACTCGGCTTCTCAGCACCAAGAGGAACTTCCTCC-3'
Protein context (NP_001138439.1, residues 162-182): ENSDQRDDME[His172Arg]GWEVVDSNDS